The following is an entry in ClinVar:

ClinVar aggregate classification (germline): Uncertain significance (1 of 4 stars; one submission).

Submission:

GeneDx
Classification: Uncertain significance. Last evaluated: 2026-04-02. Review status: criteria provided, single submitter. Criteria: GeneDx Variant Classification Process June 2021. Collection method: clinical testing. Allele origin: germline. Affected: yes.
Comment: Not observed at significant frequency in large population cohorts (gnomAD); In silico analysis suggests that this missense variant does not alter protein structure/function; Has not been previously published as pathogenic or benign to our knowledge

NM_004606.5(TAF1):c.1292G>A (p.Arg431His)

Gene: TAF1 (TATA-box binding protein associated factor 1; plus strand). Cytogenetic location: Xq13.1.
Variant type: single nucleotide variant.
Coding change: c.1292G>A on transcript NM_004606.5 (MANE Select); coding-DNA position 1292, G replaced by A.
Protein change: p.Arg431His; replaces arginine 431 with histidine.
Molecular consequence: missense variant. On other transcripts: non-coding transcript variant (9).
Genome position (GRCh38, 1-based): chrX:71,378,963, G>A. VCF-style: chrX-71378963-G-A. GRCh37 (hg19) VCF-style: chrX-70598813-G-A.
Other names: c.1292G>A, p.Arg431His (NM_001286074.2); c.1229G>A, p.Arg410His (NM_138923.4); short protein forms R410H, R431H.
Identifiers: ClinVar variation 2442460 (VCV002442460.3), dbSNP rs2148243594, ClinGen allele CA413510779.